The following is an entry in ClinVar:

ClinVar aggregate classification (germline): Uncertain significance (1 of 4 stars; one submission).

gnomAD v4.1: 2 of 1,608,776 alleles (0.00012%); highest among the groups gnomAD compares: Non-Finnish European, 0.00017%; no homozygotes.

Submission:

GeneDx
Classification: Uncertain significance. Last evaluated: 2022-04-20. Review status: criteria provided, single submitter. Criteria: GeneDx Variant Classification Process June 2021. Collection method: clinical testing. Allele origin: germline. Affected: yes.
Comment: Not observed at significant frequency in large population cohorts (gnomAD); In silico analysis supports that this missense variant does not alter protein structure/function; Has not been previously published as pathogenic or benign to our knowledge

NM_005908.4(MANBA):c.2612A>G (p.His871Arg)

Gene: MANBA (mannosidase beta; minus strand). Cytogenetic location: 4q24.
Variant type: single nucleotide variant.
Coding change: c.2612A>G on transcript NM_005908.4 (MANE Select); coding-DNA position 2612, A replaced by G.
Protein change: p.His871Arg; replaces histidine 871 with arginine.
Molecular consequence: missense variant.
Genome position (GRCh38, 1-based): chr4:102,632,085, T>C on the plus strand (A>G on the coding strand, the complement: MANBA is on the minus strand). VCF-style: chr4-102632085-T-C. GRCh37 (hg19) VCF-style: chr4-103553242-T-C.
Other names: short protein forms H871R.
Identifiers: ClinVar variation 1723594 (VCV001723594.2), dbSNP rs1729402934, ClinGen allele CA357756083.
Genomic context (GRCh38, chr4:102,632,085, plus strand): 5'-CATTGTCCACTGAAAATACAACCTAGATTCCTTCAGTAAATATCTGTTAAGGAGGTCACA[T>C]GAAAAGATTGCTCCAACTCATTCTTGCTGGTGGGCTCCCAAGGGTAAAATAATATAGTTC-3'
Protein context (NP_005899.3, residues 861-879): TSKNELEQSF[His871Arg]VTSLTDIY